The following is an entry in ClinVar:

ClinVar aggregate classification (germline): Likely pathogenic (1 of 4 stars; one submission).

Conditions:
Hypogonadotropic hypogonadism 2 with or without anosmia (HH2). Also called: FGFR1-Related GnRH Deficiency (Kallmann Syndrome 2); HYPOGONADOTROPIC HYPOGONADISM 2 WITHOUT ANOSMIA; HYPOGONADOTROPIC HYPOGONADISM 2 WITH OR WITHOUT ANOSMIA, SUSCEPTIBILITY TO; HYPOGONADOTROPIC HYPOGONADISM 2 WITHOUT ANOSMIA, SUSCEPTIBILITY TO. Identifiers: Orphanet 478, MedGen C1563720, MONDO:0007844, OMIM 147950. Disease mechanism: loss of function.

Submission:

Reproductive Endocrine Unit, Massachusetts General Hospital
Classification: Likely pathogenic for Hypogonadotropic hypogonadism 2 with or without anosmia. Last evaluated: 2023-05-04. Review status: criteria provided, single submitter. Criteria: ACMG Guidelines, 2015. Collection method: research. Allele origin: unknown. Affected: yes. Observed: 1 variant allele.
Comment: The variant NM_023110.2:c.1552+1G>T, has been classified as LP1 based on the variant meeting the following ACMG Criteria: PVS1,PM2.

NM_023110.3(FGFR1):c.1552+1G>T

Gene: FGFR1 (fibroblast growth factor receptor 1; minus strand). Cytogenetic location: 8p11.23.
Variant type: single nucleotide variant.
Coding change: c.1552+1G>T on transcript NM_023110.3 (MANE Select); the canonical splice donor site of the intron after coding-DNA position 1552, G replaced by T.
Molecular consequence: splice donor variant.
Genome position (GRCh38, 1-based): chr8:38,417,869, C>A on the plus strand (G>T on the coding strand, the complement: FGFR1 is on the minus strand). VCF-style: chr8-38417869-C-A. GRCh37 (hg19) VCF-style: chr8-38275387-C-A.
Other names: c.1273+1G>T (NM_001354368.2); c.1279+1G>T (NM_001354370.2, NM_023106.3); c.1285+1G>T (NM_023105.3, NM_001174066.2); c.1546+1G>T (NM_001354367.2, NM_015850.4, NM_001174063.2 and 1 more transcripts); c.1522+1G>T (NM_001174064.2); c.1540+1G>T (NM_001354369.2, NM_001410922.1); c.1645+1G>T (NM_001174067.2).
Identifiers: ClinVar variation 2505390 (VCV002505390.1), dbSNP rs2150647514, ClinGen allele CA370732903.